The following is an entry in ClinVar:

NM_020134.4(DPYSL5):c.468G>A (p.Ser156=)

Gene: DPYSL5 (dihydropyrimidinase like 5; plus strand). Cytogenetic location: 2p23.3.
Variant type: single nucleotide variant.
Coding change: c.468G>A on transcript NM_020134.4 (MANE Select); coding-DNA position 468, G replaced by A.
Protein change: p.Ser156=; no amino-acid change (serine 156 retained).
Molecular consequence: synonymous variant.
Genome position (GRCh38, 1-based): chr2:26,927,300, G>A. VCF-style: chr2-26927300-G-A. GRCh37 (hg19) VCF-style: chr2-27150168-G-A.
Other names: c.468G>A, p.Ser156= (NM_001253723.2, NM_001253724.2).
Identifiers: ClinVar variation 3898251 (VCV003898251.8).
Genomic context (GRCh38, chr2:26,927,300, plus strand): 5'-ACTTGTTCTCCAGGTGAAAGCAGAAATGGAGACACTGGTGAGGGAGAAGGGTGTCAACTC[G>A]TTCCAGATGTTCATGACCTACAAGGACCTGTACATGCTTCGAGACAGTGAGCTGTACCAA-3'
Protein context (NP_064519.2, residues 146-166): ETLVREKGVN[Ser156=]FQMFMTYKDL

ClinVar aggregate classification (germline): Likely benign. Review status: criteria provided, multiple submitters, no conflicts (2 of 4 stars). 2 submissions from 2 submitters: Likely benign (2). Last evaluated 2025-04-01.

gnomAD v4.1: 925 of 1,614,146 alleles (0.057%); highest among the groups gnomAD compares: Middle Eastern, 0.12%; 1 homozygote.

Submissions (2):

CeGaT Center for Human Genetics Tuebingen
Classification: Likely benign. Last evaluated: 2025-04-01. Review status: criteria provided, single submitter. Criteria: CeGaT Center For Human Genetics Tuebingen Variant Classification Criteria Version 2. Collection method: clinical testing. Allele origin: germline. Affected: yes. Observed: 1 variant allele.
Comment: DPYSL5: BP4, BP7

Blueprint Genetics
Classification: Likely benign. Last evaluated: 2024-11-05. Review status: criteria provided, single submitter. Criteria: ACMG Guidelines, 2015. Collection method: clinical testing. Allele origin: germline.